The following is an entry in ClinVar:

NM_052876.4(NACC1):c.805G>A (p.Ala269Thr)

Gene: NACC1 (nucleus accumbens associated 1; plus strand). Cytogenetic location: 19p13.13.
Variant type: single nucleotide variant.
Coding change: c.805G>A on transcript NM_052876.4 (MANE Select); coding-DNA position 805, G replaced by A.
Protein change: p.Ala269Thr; replaces alanine 269 with threonine.
Molecular consequence: missense variant.
Genome position (GRCh38, 1-based): chr19:13,136,012, G>A. VCF-style: chr19-13136012-G-A. GRCh37 (hg19) VCF-style: chr19-13246826-G-A.
Other names: c.805G>A (NM_052876.3); short protein forms A269T.
Identifiers: ClinVar variation 1976298 (VCV001976298.6), dbSNP rs748364235, ClinGen allele CA9238325.
Genomic context (GRCh38, chr19:13,136,012, plus strand): 5'-GCAGGGGGTGTGGTGAGTGGGCCCAGCACGTCGGAGCGGACCAGCCCAGGCACCTCAAGC[G>A]CCTACACCAGCGACAGCCCTGGCTCCTACCACAATGAGGAGGACGAGGAGGAGGATGGTG-3'
Protein context (NP_443108.1, residues 259-279): SERTSPGTSS[Ala269Thr]YTSDSPGSYH

ClinVar aggregate classification (germline): Conflicting classifications of pathogenicity. Review status: criteria provided, conflicting classifications (1 of 4 stars). 2 submissions from 2 submitters: Uncertain significance (1); Benign (1). Last evaluated 2025-10-17.

Allele frequency attached by ClinVar (database versions not stated): gnomAD 0.00001; gnomAD exomes below 0.00001; TOPMed 0.00001.
gnomAD v4.1: 6 of 1,613,344 alleles (0.00037%); highest among the groups gnomAD compares: Admixed American, 0.0017%; no homozygotes.

Submissions (2):

Labcorp Genetics (formerly Invitae), Labcorp
Classification: Benign. Last evaluated: 2025-10-17. Review status: criteria provided, single submitter. Criteria: Invitae Variant Classification Sherloc (09022015). Collection method: clinical testing. Allele origin: germline.

GeneDx
Classification: Uncertain significance. Last evaluated: 2024-08-10. Review status: criteria provided, single submitter. Criteria: GeneDx Variant Classification Process June 2021. Collection method: clinical testing. Allele origin: germline. Affected: yes.
Comment: Not observed at significant frequency in large population cohorts (gnomAD); In silico analysis indicates that this missense variant does not alter protein structure/function; Has not been previously published as pathogenic or benign to our knowledge